The following is an entry in ClinVar:

NM_198271.5(LMOD3):c.1189C>G (p.Gln397Glu)

Gene: LMOD3 (leiomodin 3; minus strand). Cytogenetic location: 3p14.1.
Variant type: single nucleotide variant.
Coding change: c.1189C>G on transcript NM_198271.5 (MANE Select); coding-DNA position 1189, C replaced by G.
Protein change: p.Gln397Glu; replaces glutamine 397 with glutamic acid.
Molecular consequence: missense variant.
Genome position (GRCh38, 1-based): chr3:69,119,166, G>C on the plus strand (C>G on the coding strand, the complement: LMOD3 is on the minus strand). VCF-style: chr3-69119166-G-C. GRCh37 (hg19) VCF-style: chr3-69168317-G-C.
Other names: c.1189C>G, p.Gln397Glu (NM_001304418.3); short protein forms Q397E.
Identifiers: ClinVar variation 1351224 (VCV001351224.5), dbSNP rs1286766855, ClinGen allele CA353472440.
Genomic context (GRCh38, chr3:69,119,166, plus strand): 5'-TCAGCTTCTTCTGTTCCTTGAGTTGCTGCTGTTTTTGCTCTTCCTGTCGTTTCTGCCTTT[G>C]TTTATCCTGATTCCTGGTGAGCAGATTAGTGACCACCATTCTGGGACCCGGAAGCTCAAA-3'
Protein context (NP_938012.2, residues 387-407): TNLLTRNQDK[Gln397Glu]RQKRQEEQKQ

ClinVar aggregate classification (germline): Uncertain significance (1 of 4 stars; one submission).

Conditions:
Nemaline myopathy 10 (NEM10). Identifiers: MedGen C4015360, MONDO:0014513, OMIM 616165.

Allele frequency attached by ClinVar (database versions not stated): gnomAD exomes below 0.00001; TOPMed 0.00001.
gnomAD v4.1: 7 of 1,613,656 alleles (0.00043%); highest among the groups gnomAD compares: Admixed American, 0.0083%; no homozygotes.

Submission:

Labcorp Genetics (formerly Invitae), Labcorp
Classification: Uncertain significance for Nemaline myopathy 10. Last evaluated: 2024-01-15. Review status: criteria provided, single submitter. Criteria: Invitae Variant Classification Sherloc (09022015). Collection method: clinical testing. Allele origin: germline.
Comment: This sequence change replaces glutamine, which is neutral and polar, with glutamic acid, which is acidic and polar, at codon 397 of the LMOD3 protein (p.Gln397Glu). This variant is present in population databases (no rsID available, gnomAD 0.003%). This variant has not been reported in the literature in individuals affected with LMOD3-related conditions. ClinVar contains an entry for this variant (Variation ID: 1351224). An algorithm developed to predict the effect of missense changes on protein structure and function (PolyPhen-2) suggests that this variant¬†is likely to be tolerated. In summary, the available evidence is currently insufficient to determine the role of this variant in disease. Therefore, it has been classified as a Variant of Uncertain Significance.